The following is an entry in ClinVar:

ClinVar aggregate classification (germline): Uncertain significance. Review status: criteria provided, multiple submitters, no conflicts (2 of 4 stars). 2 submissions from 2 submitters: Uncertain significance (2). Last evaluated 2023-08-17.

Conditions:
Intellectual developmental disorder, autosomal dominant 1. Also called: Intellectual disability, autosomal dominant 1; MBD5 Haploinsufficiency. Identifiers: Orphanet 228402, MedGen C1969562, MONDO:0007974, OMIM 156200.

Submissions (2):

Labcorp Genetics (formerly Invitae), Labcorp
Classification: Uncertain significance for Intellectual developmental disorder, autosomal dominant 1. Last evaluated: 2023-08-17. Review status: criteria provided, single submitter. Criteria: Invitae Variant Classification Sherloc (09022015). Collection method: clinical testing. Allele origin: germline.
Comment: In summary, the available evidence is currently insufficient to determine the role of this variant in disease. Therefore, it has been classified as a Variant of Uncertain Significance. Experimental studies and prediction algorithms are not available or were not evaluated, and the functional significance of this variant is currently unknown. ClinVar contains an entry for this variant (Variation ID: 838302). This variant has not been reported in the literature in individuals affected with MBD5-related conditions. This variant is not present in population databases (gnomAD no frequency). This sequence change replaces glutamine, which is neutral and polar, with glutamic acid, which is acidic and polar, at codon 1196 of the MBD5 protein (p.Gln1196Glu).

Genetic Services Laboratory, University of Chicago
Classification: Uncertain significance. Last evaluated: 2019-10-04. Review status: criteria provided, single submitter. Criteria: ACMG Guidelines, 2015. Collection method: clinical testing. Allele origin: germline. Affected: no.

NM_001378120.1(MBD5):c.4285C>G (p.Gln1429Glu)

Gene: MBD5 (methyl-CpG binding domain protein 5; plus strand). Cytogenetic location: 2q23.1.
Variant type: single nucleotide variant.
Coding change: c.4285C>G on transcript NM_001378120.1 (MANE Select); coding-DNA position 4285, C replaced by G.
Protein change: p.Gln1429Glu; replaces glutamine 1429 with glutamic acid.
Molecular consequence: missense variant.
Genome position (GRCh38, 1-based): chr2:148,489,917, C>G. VCF-style: chr2-148489917-C-G. GRCh37 (hg19) VCF-style: chr2-149247486-C-G.
Other names: c.3586C>G, p.Gln1196Glu (NM_018328.5); short protein forms Q1196E, Q1429E.
Identifiers: ClinVar variation 838302 (VCV000838302.15), dbSNP rs1681467295, ClinGen allele CA348728524.